The following is an entry in ClinVar:

NM_024721.5(ZFHX4):c.447G>A (p.Gly149=)

Gene: ZFHX4 (zinc finger homeobox 4; plus strand). Cytogenetic location: 8q21.13.
Variant type: single nucleotide variant.
Coding change: c.447G>A on transcript NM_024721.5 (MANE Select); coding-DNA position 447, G replaced by A.
Protein change: p.Gly149=; no amino-acid change (glycine 149 retained).
Molecular consequence: synonymous variant.
Genome position (GRCh38, 1-based): chr8:76,704,535, G>A. VCF-style: chr8-76704535-G-A. GRCh37 (hg19) VCF-style: chr8-77616770-G-A.
Other names: c.447G>A, p.Gly149= (NM_001410934.1).
Identifiers: ClinVar variation 3057594 (VCV003057594.2), dbSNP rs769631578, ClinGen allele CA4786637.

ClinVar aggregate classification (germline): Likely benign (0 of 4 stars; one submission).

Conditions:
ZFHX4-related disorder. Also called: ZFHX4-related condition.

Allele frequency attached by ClinVar (database versions not stated): ExAC 0.00006; gnomAD 0.00022; TOPMed 0.00023.
gnomAD v4.1: 58 of 1,613,828 alleles (0.0036%); highest among the groups gnomAD compares: African/African-American, 0.059%; no homozygotes.

Submission:

PreventionGenetics, part of Exact Sciences
Classification: Likely benign for ZFHX4-related condition. Last evaluated: 2019-04-16. Review status: no assertion criteria provided. Collection method: clinical testing. Allele origin: germline.
Comment: This variant is classified as likely benign based on ACMG/AMP sequence variant interpretation guidelines (Richards et al. 2015 PMID: 25741868, with internal and published modifications).